The following is an entry in ClinVar:

ClinVar aggregate classification (germline): Uncertain significance (1 of 4 stars; one submission).

Conditions:
Inborn genetic diseases. Identifiers: MedGen C0950123, MeSH D030342.

Submission:

Ambry Genetics
Classification: Uncertain significance for Inborn genetic diseases. Last evaluated: 2024-01-19. Review status: criteria provided, single submitter. Criteria: Ambry Variant Classification Scheme 2023. Collection method: clinical testing. Allele origin: germline.
Comment: The p.I1177L variant (also known as c.3529A>C), located in coding exon 26 of the LRRK2 gene, results from an A to C substitution at nucleotide position 3529. The isoleucine at codon 1177 is replaced by leucine, an amino acid with highly similar properties. This amino acid position is conserved. In addition, this alteration is predicted to be tolerated by in silico analysis. Based on the available evidence, the clinical significance of this alteration remains unclear.

NM_198578.4(LRRK2):c.3529A>C (p.Ile1177Leu)

Gene: LRRK2 (leucine rich repeat kinase 2; plus strand). Cytogenetic location: 12q12.
Variant type: single nucleotide variant.
Coding change: c.3529A>C on transcript NM_198578.4 (MANE Select); coding-DNA position 3529, A replaced by C.
Protein change: p.Ile1177Leu; replaces isoleucine 1177 with leucine.
Molecular consequence: missense variant.
Genome position (GRCh38, 1-based): chr12:40,302,821, A>C. VCF-style: chr12-40302821-A-C. GRCh37 (hg19) VCF-style: chr12-40696623-A-C.
Other names: short protein forms I1177L.
Identifiers: ClinVar variation 3229618 (VCV003229618.1), dbSNP rs1944679882, ClinGen allele CA384416365.
Genomic context (GRCh38, chr12:40,302,821, plus strand): 5'-AATGTTTATCTCATTTTTTTTCTTTTAGCTGCTATGCCTTTCTTGCCTCCTTCTATGACA[A>C]TCCTAAAATTATCTCAGAACAAATTTTCCTGTATTCCAGAAGCAATTTTAAATCTTCCAC-3'
Protein context (NP_940980.4, residues 1167-1187): AMPFLPPSMT[Ile1177Leu]LKLSQNKFSC